The following is an entry in ClinVar:

NM_173551.5(ANKS6):c.2029G>A (p.Gly677Arg)

Gene: ANKS6 (ankyrin repeat and sterile alpha motif domain containing 6; minus strand). Cytogenetic location: 9q22.33.
Variant type: single nucleotide variant.
Coding change: c.2029G>A on transcript NM_173551.5 (MANE Select); coding-DNA position 2029, G replaced by A.
Protein change: p.Gly677Arg; replaces glycine 677 with arginine.
Molecular consequence: missense variant.
Genome position (GRCh38, 1-based): chr9:98,768,194, C>T on the plus strand (G>A on the coding strand, the complement: ANKS6 is on the minus strand). VCF-style: chr9-98768194-C-T. GRCh37 (hg19) VCF-style: chr9-101530476-C-T.
Other names: short protein forms G677R.
Identifiers: ClinVar variation 3874610 (VCV003874610.2).

ClinVar aggregate classification (germline): Uncertain significance. Review status: criteria provided, multiple submitters, no conflicts (2 of 4 stars). 2 submissions from 2 submitters: Uncertain significance (2). Last evaluated 2025-11-15.

Conditions:
Inborn genetic diseases. Identifiers: MedGen C0950123, MeSH D030342.
Nephronophthisis 16 (NPHP16). Identifiers: Orphanet 655, MedGen C3809320, MONDO:0014158, OMIM 615382.

gnomAD v4.1: 15 of 1,614,116 alleles (0.00093%); highest among the groups gnomAD compares: Middle Eastern, 0.017%; no homozygotes.

Submissions (2):

Labcorp Genetics (formerly Invitae), Labcorp
Classification: Uncertain significance for Nephronophthisis 16. Last evaluated: 2025-11-15. Review status: criteria provided, single submitter. Criteria: Invitae Variant Classification Sherloc (09022015). Collection method: clinical testing. Allele origin: germline.
Comment: This sequence change replaces glycine, which is neutral and non-polar, with arginine, which is basic and polar, at codon 677 of the ANKS6 protein (p.Gly677Arg). This variant is present in population databases (rs761669977, gnomAD 0.0009%). This variant has not been reported in the literature in individuals affected with ANKS6-related conditions. ClinVar contains an entry for this variant (Variation ID: 3874610). An algorithm developed to predict the effect of missense changes on protein structure and function outputs the following: PolyPhen-2: "Benign". The arginine amino acid residue is found in multiple mammalian species, which suggests that this missense change does not adversely affect protein function. In summary, the available evidence is currently insufficient to determine the role of this variant in disease. Therefore, it has been classified as a Variant of Uncertain Significance.

Ambry Genetics
Classification: Uncertain significance for Inborn genetic diseases. Last evaluated: 2025-02-04. Review status: criteria provided, single submitter. Criteria: Ambry Variant Classification Scheme 2023. Collection method: clinical testing. Allele origin: germline.